The following is an entry in ClinVar:

NM_000350.3(ABCA4):c.4747C>A (p.Leu1583Ile)

Genes: ABCA4 (ATP binding cassette subfamily A member 4; minus strand), LOC126805793 (CDK7 strongly-dependent group 2 enhancer GRCh37_chr1:94486302-94487501; plus strand). Cytogenetic location: 1p22.1.
Variant type: single nucleotide variant.
Coding change: c.4747C>A on transcript NM_000350.3 (MANE Select); coding-DNA position 4747, C replaced by A.
Protein change: p.Leu1583Ile; replaces leucine 1583 with isoleucine.
Molecular consequence: missense variant.
Genome position (GRCh38, 1-based): chr1:94,021,872, G>T on the plus strand (C>A on the coding strand, the complement: ABCA4 is on the minus strand). VCF-style: chr1-94021872-G-T. GRCh37 (hg19) VCF-style: chr1-94487428-G-T.
Other names: c.4525C>A, p.Leu1509Ile (NM_001425324.1); short protein forms L1583I, L1509I.
Identifiers: ClinVar variation 2134174 (VCV002134174.28), dbSNP rs963091295, ClinGen allele CA26845237.

ClinVar aggregate classification (germline): Uncertain significance. Review status: criteria provided, multiple submitters, no conflicts (2 of 4 stars). 2 submissions from 2 submitters: Uncertain significance (2). Last evaluated 2023-10-01.

Allele frequency attached by ClinVar (database versions not stated): TOPMed below 0.00001.

Submissions (2):

CeGaT Center for Human Genetics Tuebingen
Classification: Uncertain significance. Last evaluated: 2023-10-01. Review status: criteria provided, single submitter. Criteria: CeGaT Center For Human Genetics Tuebingen Variant Classification Criteria Version 2. Collection method: clinical testing. Allele origin: germline. Affected: yes. Observed: 1 variant allele.
Comment: ABCA4: PM2, PM3, BP4

Labcorp Genetics (formerly Invitae), Labcorp
Classification: Uncertain significance. Last evaluated: 2022-05-05. Review status: criteria provided, single submitter. Criteria: Invitae Variant Classification Sherloc (09022015). Collection method: clinical testing. Allele origin: germline.
Comment: Advanced modeling of protein sequence and biophysical properties (such as structural, functional, and spatial information, amino acid conservation, physicochemical variation, residue mobility, and thermodynamic stability) performed at Invitae indicates that this missense variant is not expected to disrupt ABCA4 protein function. This variant has not been reported in the literature in individuals affected with ABCA4-related conditions. This variant is not present in population databases (gnomAD no frequency). This sequence change replaces leucine, which is neutral and non-polar, with isoleucine, which is neutral and non-polar, at codon 1583 of the ABCA4 protein (p.Leu1583Ile). This variant disrupts the p.Leu1583 amino acid residue in ABCA4. Other variant(s) that disrupt this residue have been determined to be pathogenic (PMID: 12202497, 31814693, 33301772, 33691693, 33732702). This suggests that this residue is clinically significant, and that variants that disrupt this residue are likely to be disease-causing. In summary, the available evidence is currently insufficient to determine the role of this variant in disease. Therefore, it has been classified as a Variant of Uncertain Significance.

Literature cited by the submitters: PubMed 12202497 (cited by Labcorp Genetics (formerly Invitae), Labcorp); PubMed 31814693 (cited by Labcorp Genetics (formerly Invitae), Labcorp); PubMed 33301772 (cited by Labcorp Genetics (formerly Invitae), Labcorp); PubMed 33691693 (cited by Labcorp Genetics (formerly Invitae), Labcorp); PubMed 33732702 (cited by Labcorp Genetics (formerly Invitae), Labcorp).